The following is an entry in ClinVar:

ClinVar aggregate classification (germline): Uncertain significance. Review status: criteria provided, multiple submitters, no conflicts (2 of 4 stars). 4 submissions from 3 submitters: Uncertain significance (4). Last evaluated 2023-02-08.

Conditions:
Seckel syndrome 1 (SCKL1). Also called: MICROCEPHALIC PRIMORDIAL DWARFISM I. Identifiers: Orphanet 808, MedGen C4551474, MONDO:0008869, OMIM 210600.
Familial cutaneous telangiectasia and oropharyngeal predisposition cancer syndrome. Identifiers: Orphanet 313846, MedGen C3281203, MONDO:0013806, OMIM 614564.
Inborn genetic diseases. Identifiers: MedGen C0950123, MeSH D030342.

Allele frequency attached by ClinVar (database versions not stated): gnomAD exomes 0.00001.
gnomAD v4.1: 1 of 1,613,800 alleles (0.000062%); no homozygotes.

Submissions (4):

Genome-Nilou Lab
Classification: Uncertain significance for Seckel syndrome 1. Last evaluated: 2023-02-08. Review status: criteria provided, single submitter. Criteria: ACMG Guidelines, 2015. Collection method: clinical testing. Allele origin: germline.

Genome-Nilou Lab
Classification: Uncertain significance for Familial cutaneous telangiectasia and oropharyngeal predisposition cancer syndrome. Last evaluated: 2023-02-08. Review status: criteria provided, single submitter. Criteria: ACMG Guidelines, 2015. Collection method: clinical testing. Allele origin: germline.

Ambry Genetics
Classification: Uncertain significance for Inborn genetic diseases. Last evaluated: 2022-07-19. Review status: criteria provided, single submitter. Criteria: Ambry Variant Classification Scheme 2023. Collection method: clinical testing. Allele origin: germline.
Comment: The p.V715F variant (also known as c.2143G>T), located in coding exon 10 of the ATR gene, results from a G to T substitution at nucleotide position 2143. The valine at codon 715 is replaced by phenylalanine, an amino acid with highly similar properties. This amino acid position is conserved. In addition, this alteration is predicted to be tolerated by in silico analysis. Since supporting evidence is limited at this time, the clinical significance of this alteration remains unclear.

Labcorp Genetics (formerly Invitae), Labcorp
Classification: Uncertain significance. Last evaluated: 2021-04-18. Review status: criteria provided, single submitter. Criteria: Invitae Variant Classification Sherloc (09022015). Collection method: clinical testing. Allele origin: germline.
Comment: In summary, the available evidence is currently insufficient to determine the role of this variant in disease. Therefore, it has been classified as a Variant of Uncertain Significance. Algorithms developed to predict the effect of missense changes on protein structure and function (SIFT, PolyPhen-2, Align-GVGD) all suggest that this variant is likely to be tolerated, but these predictions have not been confirmed by published functional studies and their clinical significance is uncertain. This variant has not been reported in the literature in individuals with ATR-related conditions. This variant is not present in population databases (ExAC no frequency). This sequence change replaces valine with phenylalanine at codon 715 of the ATR protein (p.Val715Phe). The valine residue is weakly conserved and there is a small physicochemical difference between valine and phenylalanine.

NM_001184.4(ATR):c.2143G>T (p.Val715Phe)

Gene: ATR (ATR checkpoint kinase; minus strand). Cytogenetic location: 3q23.
Variant type: single nucleotide variant.
Coding change: c.2143G>T on transcript NM_001184.4 (MANE Select); coding-DNA position 2143, G replaced by T.
Protein change: p.Val715Phe; replaces valine 715 with phenylalanine.
Molecular consequence: missense variant.
Genome position (GRCh38, 1-based): chr3:142,556,075, C>A on the plus strand (G>T on the coding strand, the complement: ATR is on the minus strand). VCF-style: chr3-142556075-C-A. GRCh37 (hg19) VCF-style: chr3-142274917-C-A.
Other names: c.1951G>T, p.Val651Phe (NM_001354579.2); short protein forms V651F, V715F.
Identifiers: ClinVar variation 1054454 (VCV001054454.9), dbSNP rs1177859208, ClinGen allele CA354818900.